The following is an entry in ClinVar:

ClinVar aggregate classification (germline): Likely pathogenic (1 of 4 stars; one submission).

Conditions:
Autosomal dominant non-syndromic intellectual disability. Identifiers: Orphanet 178469, MedGen C5680502, MONDO:0015802.

Submission:

Department of Human Genetics, University Hospital Bern, Inselspital
Classification: Likely pathogenic for Autosomal dominant non-syndromic intellectual disability. Last evaluated: 2026-05-03. Review status: criteria provided, single submitter. Criteria: ACMG Guidelines, 2015. Collection method: clinical testing. Allele origin: unknown. Affected: yes.
Comment: The variant leads to an early stop codon likely resulting in nonsense-mediated mRNA decay. The variant is absent from gnomAD v4.1.0. In summary, criteria PVS1 and PM2_Supporting were used.

Literature cited by the submitters: PubMed 42509346.

NM_001256627.2(BRSK2):c.804_805del (p.Ile268fs)

Gene: BRSK2 (BR serine/threonine kinase 2; plus strand). Cytogenetic location: 11p15.5.
Variant type: Microsatellite.
Coding change: c.804_805del on transcript NM_001256627.2 (MANE Select); coding-DNA positions 804 to 805, 2 bases deleted (AT; older notation c.804_805delAT).
Protein change: p.Ile268fs; shifts the reading frame from isoleucine 268.
Molecular consequence: frameshift variant. On other transcripts: non-coding transcript variant (1).
Genome position (GRCh38, 1-based): chr11:1,444,994-1,444,995, AT deleted; deleting any 2 consecutive bases within chr11:1,444,992-1,444,995 gives the same sequence; the c. name uses the placement nearest the transcript's 3' end. VCF-style (leftmost placement, unchanged base first): chr11-1444991-CAT-C. GRCh37 (hg19) VCF-style: chr11-1466221-CAT-C.
Other names: c.804_805del, p.Ile268fs (NM_001256629.2, NM_001440665.1, NM_001440666.1 and 3 more transcripts); c.942_943del, p.Ile314fs (NM_001256630.1, NM_001440667.1); c.624_625del, p.Ile208fs (NM_001282218.2, NM_001440669.1, NM_001440671.1 and 5 more transcripts); short protein forms I208fs, I268fs, I314fs.
Identifiers: ClinVar variation 4849558 (VCV004849558.1).